The following is an entry in ClinVar:

NM_001164508.2(NEB):c.938A>G (p.Gln313Arg)

Gene: NEB (nebulin; minus strand). Cytogenetic location: 2q23.3.
Variant type: single nucleotide variant.
Coding change: c.938A>G on transcript NM_001164508.2 (MANE Select); coding-DNA position 938, A replaced by G.
Protein change: p.Gln313Arg; replaces glutamine 313 with arginine.
Molecular consequence: missense variant.
Genome position (GRCh38, 1-based): chr2:151,709,753, T>C on the plus strand (A>G on the coding strand, the complement: NEB is on the minus strand). VCF-style: chr2-151709753-T-C. GRCh37 (hg19) VCF-style: chr2-152566267-T-C.
Other names: c.938A>G, p.Gln313Arg (NM_001164507.2, NM_001271208.2, NM_004543.5); short protein forms Q313R.
Identifiers: ClinVar variation 573862 (VCV000573862.9), dbSNP rs1559506055, ClinGen allele CA348786370.

ClinVar aggregate classification (germline): Uncertain significance. Review status: criteria provided, single submitter (1 of 4 stars). 2 submissions from 2 submitters: Uncertain significance (1). 1 of the submissions does not count toward it. Last evaluated 2024-03-11.

Conditions:
Nemaline myopathy 2 (NEM2). Also called: Nemaline myopathy 2, autosomal recessive. Identifiers: MedGen C1850569, MONDO:0009725, OMIM 256030.

gnomAD v4.1: 1 of 1,595,898 alleles (0.000063%); highest among the groups gnomAD compares: Non-Finnish European, 0.000086%; no homozygotes.

Submissions (2):

Labcorp Genetics (formerly Invitae), Labcorp
Classification: Uncertain significance for Nemaline myopathy 2. Last evaluated: 2024-03-11. Review status: criteria provided, single submitter. Criteria: Invitae Variant Classification Sherloc (09022015). Collection method: clinical testing. Allele origin: germline.
Comment: This sequence change replaces glutamine, which is neutral and polar, with arginine, which is basic and polar, at codon 313 of the NEB protein (p.Gln313Arg). This variant is not present in population databases (gnomAD no frequency). This variant has not been reported in the literature in individuals affected with NEB-related conditions. ClinVar contains an entry for this variant (Variation ID: 573862). Experimental studies and prediction algorithms are not available or were not evaluated, and the functional significance of this variant is currently unknown. In summary, the available evidence is currently insufficient to determine the role of this variant in disease. Therefore, it has been classified as a Variant of Uncertain Significance.

Natera, Inc.
Classification: Uncertain significance for Nemaline myopathy type 2. Last evaluated: 2020-08-31. Review status: no assertion criteria provided. Collection method: clinical testing. Allele origin: germline. Not counted in ClinVar's aggregate classification.